The following is an entry in ClinVar:

ClinVar aggregate classification (germline): Pathogenic (1 of 4 stars; one submission).

Conditions:
Retinoblastoma (RB1). Also called: RETINOBLASTOMA, SOMATIC. Identifiers: Orphanet 790, MedGen C0035335, MeSH D012175, MONDO:0008380, OMIM 180200, HP:0009919. Disease mechanism: loss of function. Inheritance: Both sporadic and heritable forms are tested..

Submission:

Centre for Mendelian Genomics, University Medical Centre Ljubljana
Classification: Pathogenic for Retinoblastoma. Last evaluated: 2016-01-01. Review status: criteria provided, single submitter. Criteria: ACMG Guidelines, 2015. Collection method: clinical testing. Allele origin: unknown. Affected: yes.
Comment: This variant was classified as: Pathogenic.

NM_000321.3(RB1):c.2246_2247del (p.Glu748_Tyr749insTer)

Gene: RB1 (RB transcriptional corepressor 1; plus strand). Cytogenetic location: 13q14.2.
Variant type: Deletion.
Coding change: c.2246_2247del on transcript NM_000321.3 (MANE Select); coding-DNA positions 2246 to 2247, 2 bases deleted (AT; older notation c.2246_2247delAT).
Protein change: p.Glu748_Tyr749insTer.
Molecular consequence: nonsense.
Genome position (GRCh38, 1-based): chr13:48,465,032-48,465,033, AT deleted; deleting any 2 consecutive bases within chr13:48,465,031-48,465,033 gives the same sequence; the c. name uses the placement nearest the transcript's 3' end. VCF-style (leftmost placement, unchanged base first): chr13-48465030-GTA-G. GRCh37 (hg19) VCF-style: chr13-49039166-GTA-G.
Identifiers: ClinVar variation 930470 (VCV000930470.3), dbSNP rs1949430616, ClinGen allele CA1139663291.